The following is an entry in ClinVar:

ClinVar aggregate classification (germline): Uncertain significance (0 of 4 stars; one submission).

Conditions:
PLXNA4-related disorder. Also called: PLXNA4-related condition.

Allele frequency attached by ClinVar (database versions not stated): TOPMed 0.00001; gnomAD exomes 0.00002; ExAC 0.00003; gnomAD 0.00004.

Submission:

PreventionGenetics, part of Exact Sciences
Classification: Uncertain significance for PLXNA4-related condition. Last evaluated: 2024-08-19. Review status: no assertion criteria provided. Collection method: clinical testing. Allele origin: germline.
Comment: The PLXNA4 c.4870A>G variant is predicted to result in the amino acid substitution p.Met1624Val. To our knowledge, this variant has not been reported in the literature. This variant is reported in 0.0065% of alleles in individuals of African descent in gnomAD. At this time, the clinical significance of this variant is uncertain due to the absence of conclusive functional and genetic evidence.

NM_020911.2(PLXNA4):c.4870A>G (p.Met1624Val)

Gene: PLXNA4 (plexin A4; minus strand). Cytogenetic location: 7q32.3.
Variant type: single nucleotide variant.
Coding change: c.4870A>G on transcript NM_020911.2 (MANE Select); coding-DNA position 4870, A replaced by G.
Protein change: p.Met1624Val; replaces methionine 1624 with valine.
Molecular consequence: missense variant.
Genome position (GRCh38, 1-based): chr7:132,146,695, T>C on the plus strand (A>G on the coding strand, the complement: PLXNA4 is on the minus strand). VCF-style: chr7-132146695-T-C. GRCh37 (hg19) VCF-style: chr7-131831454-T-C.
Other names: c.4870A>G, p.Met1624Val (NM_001393897.1); short protein forms M1624V.
Identifiers: ClinVar variation 2636534 (VCV002636534.3), dbSNP rs767411064, ClinGen allele CA4489048.